The following is an entry in ClinVar:

ClinVar aggregate classification (germline): Uncertain significance (1 of 4 stars; one submission).

Submission:

Labcorp Genetics (formerly Invitae), Labcorp
Classification: Uncertain significance. Last evaluated: 2024-06-03. Review status: criteria provided, single submitter. Criteria: Invitae Variant Classification Sherloc (09022015). Collection method: clinical testing. Allele origin: germline.
Comment: This sequence change replaces methionine, which is neutral and non-polar, with threonine, which is neutral and polar, at codon 179 of the GPIHBP1 protein (p.Met179Thr). This variant is present in population databases (no rsID available, gnomAD 0.003%). This variant has not been reported in the literature in individuals affected with GPIHBP1-related conditions. ClinVar contains an entry for this variant (Variation ID: 1490166). Algorithms developed to predict the effect of missense changes on protein structure and function output the following: SIFT: "Not Available"; PolyPhen-2: "Not Available"; Align-GVGD: "Not Available". The threonine amino acid residue is found in multiple mammalian species, which suggests that this missense change does not adversely affect protein function. In summary, the available evidence is currently insufficient to determine the role of this variant in disease. Therefore, it has been classified as a Variant of Uncertain Significance.

NM_178172.6(GPIHBP1):c.536T>C (p.Met179Thr)

Gene: GPIHBP1 (glycosylphosphatidylinositol anchored high density lipoprotein binding protein 1; plus strand). Cytogenetic location: 8q24.3.
Variant type: single nucleotide variant.
Coding change: c.536T>C on transcript NM_178172.6 (MANE Select); coding-DNA position 536, T replaced by C.
Protein change: p.Met179Thr; replaces methionine 179 with threonine.
Molecular consequence: missense variant. On other transcripts: intron variant (1).
Genome position (GRCh38, 1-based): chr8:143,215,499, T>C. VCF-style: chr8-143215499-T-C. GRCh37 (hg19) VCF-style: chr8-144297374-T-C.
Other names: c.375+161T>C (NM_001301772.2); short protein forms M179T.
Identifiers: ClinVar variation 1490166 (VCV001490166.6), dbSNP rs1330685623, ClinGen allele CA372402683.